The following is an entry in ClinVar:

NM_001365088.1(SLC12A6):c.1118+98C>G

Gene: SLC12A6 (solute carrier family 12 member 6; minus strand). Cytogenetic location: 15q14.
Variant type: single nucleotide variant.
Coding change: c.1118+98C>G on transcript NM_001365088.1 (MANE Select); 98 bases into the intron after coding-DNA position 1118, C replaced by G.
Molecular consequence: intron variant.
Genome position (GRCh38, 1-based): chr15:34,254,250, G>C on the plus strand (C>G on the coding strand, the complement: SLC12A6 is on the minus strand). VCF-style: chr15-34254250-G-C. GRCh37 (hg19) VCF-style: chr15-34546451-G-C.
Other names: c.941+98C>G (NM_001042495.2, NM_001042494.2); c.1091+98C>G (NM_001042496.2); c.1073+98C>G (NM_001042497.2); c.1118+98C>G (NM_133647.2); c.965+98C>G (NM_005135.2).
Identifiers: ClinVar variation 670088 (VCV000670088.2), dbSNP rs2615358, ClinGen allele CA14158210.

ClinVar aggregate classification (germline): Benign. Review status: criteria provided, multiple submitters, no conflicts (2 of 4 stars). 2 submissions from 2 submitters: Benign (2). Last evaluated 2018-06-14.

Allele frequency attached by ClinVar (database versions not stated): 1000 Genomes Project 30x 0.76780; TOPMed 0.77096; 1000 Genomes Project 0.77796; gnomAD 0.77817 and 0.78406; gnomAD exomes 0.85972.
gnomAD v4.1: 1,089,100 of 1,280,898 alleles (85%); highest among the groups gnomAD compares: East Asian, 100%; 466,869 homozygotes.

Submissions (2):

GeneDx
Classification: Benign. Last evaluated: 2018-06-14. Review status: criteria provided, single submitter. Criteria: GeneDx Variant Classification (06012015). Collection method: clinical testing. Allele origin: germline. Affected: yes.
Comment: This variant is considered likely benign or benign based on one or more of the following criteria: it is a conservative change, it occurs at a poorly conserved position in the protein, it is predicted to be benign by multiple in silico algorithms, and/or has population frequency not consistent with disease.

Breakthrough Genomics
Classification: Benign. Review status: criteria provided, single submitter. Criteria: ACMG Guidelines, 2015. Collection method: not provided. Allele origin: germline. Inheritance: Autosomal recessive inheritance. Affected: yes.